The following is an entry in ClinVar:

ClinVar aggregate classification (germline): Uncertain significance. Review status: criteria provided, multiple submitters, no conflicts (2 of 4 stars). 2 submissions from 2 submitters: Uncertain significance (2). Last evaluated 2023-09-22.

Allele frequency attached by ClinVar (database versions not stated): gnomAD exomes below 0.00001.
gnomAD v4.1: 4 of 1,031,310 alleles (0.00039%); highest among the groups gnomAD compares: East Asian, 0.028%; no homozygotes.

Submissions (2):

Ambry Genetics
Classification: Uncertain significance. Last evaluated: 2023-09-22. Review status: criteria provided, single submitter. Criteria: Ambry Variant Classification Scheme 2023. Collection method: clinical testing. Allele origin: germline.

Labcorp Genetics (formerly Invitae), Labcorp
Classification: Uncertain significance. Last evaluated: 2022-12-23. Review status: criteria provided, single submitter. Criteria: Invitae Variant Classification Sherloc (09022015). Collection method: clinical testing. Allele origin: germline.
Comment: This sequence change replaces proline, which is neutral and non-polar, with leucine, which is neutral and non-polar, at codon 116 of the CTF1 protein (p.Pro116Leu). The frequency data for this variant in the population databases is considered unreliable, as metrics indicate insufficient coverage at this position in the gnomAD database. This variant has not been reported in the literature in individuals affected with CTF1-related conditions. Algorithms developed to predict the effect of missense changes on protein structure and function output the following: SIFT: "Tolerated"; PolyPhen-2: "Benign"; Align-GVGD: "Class C0". The leucine amino acid residue is found in multiple mammalian species, which suggests that this missense change does not adversely affect protein function. In summary, the available evidence is currently insufficient to determine the role of this variant in disease. Therefore, it has been classified as a Variant of Uncertain Significance.

NM_001330.5(CTF1):c.347C>T (p.Pro116Leu)

Genes: CTF1 (cardiotrophin 1; plus strand), LOC130058878 (ATAC-STARR-seq lymphoblastoid silent region 7400; plus strand). Cytogenetic location: 16p11.2.
Variant type: single nucleotide variant.
Coding change: c.347C>T on transcript NM_001330.5 (MANE Select); coding-DNA position 347, C replaced by T.
Protein change: p.Pro116Leu; replaces proline 116 with leucine.
Molecular consequence: missense variant. On other transcripts: non-coding transcript variant (1).
Genome position (GRCh38, 1-based): chr16:30,902,280, C>T. VCF-style: chr16-30902280-C-T. GRCh37 (hg19) VCF-style: chr16-30913601-C-T.
Other names: c.344C>T, p.Pro115Leu (NM_001142544.3); short protein forms P116L, P115L.
Identifiers: ClinVar variation 2732186 (VCV002732186.4), dbSNP rs886051924, ClinGen allele CA395618922.